The following is an entry in ClinVar:

NM_000260.4(MYO7A):c.3503+15_3503+33del

Gene: MYO7A (myosin VIIA; plus strand). Cytogenetic location: 11q13.5.
Variant type: Deletion.
Coding change: c.3503+15_3503+33del on transcript NM_000260.4 (MANE Select); bases 15 to 33 of the intron after coding-DNA position 3503, 19 bases deleted (GCGGGGACACCAGGGCCTG).
Molecular consequence: intron variant.
Genome position (GRCh38, 1-based): chr11:77,184,730-77,184,748, GCGGGGACACCAGGGCCTG deleted; deleting any 19 consecutive bases within chr11:77,184,729-77,184,748 gives the same sequence; the c. name uses the placement nearest the transcript's 3' end. VCF-style (leftmost placement, unchanged base first): chr11-77184728-AGGCGGGGACACCAGGGCCT-A. GRCh37 (hg19) VCF-style: chr11-76895773-AGGCGGGGACACCAGGGCCT-A.
Other names: c.3470+15_3470+33del (NM_001369365.1); c.3503+15_3503+33del (NM_001127180.2).
Identifiers: ClinVar variation 3353237 (VCV003353237.2).

ClinVar aggregate classification (germline): Likely benign. Review status: criteria provided, single submitter (1 of 4 stars). 2 submissions from 2 submitters: Likely benign (1). 1 of the submissions does not count toward it. Last evaluated 2022-10-20.

Conditions:
MYO7A-related disorder. Also called: MYO7A-related disorders.

Submissions (2):

Blueprint Genetics
Classification: Likely benign. Last evaluated: 2022-10-20. Review status: criteria provided, single submitter. Criteria: ACMG Guidelines, 2015. Collection method: clinical testing. Allele origin: germline.

PreventionGenetics, part of Exact Sciences
Classification: Likely benign for MYO7A-related condition. Last evaluated: 2024-07-03. Review status: no assertion criteria provided. Collection method: clinical testing. Allele origin: germline. Not counted in ClinVar's aggregate classification.
Comment: This variant is classified as likely benign based on ACMG/AMP sequence variant interpretation guidelines (Richards et al. 2015 PMID: 25741868, with internal and published modifications).